The following is an entry in ClinVar:

ClinVar aggregate classification (germline): Likely benign (1 of 4 stars; one submission).

Allele frequency attached by ClinVar (database versions not stated): gnomAD exomes below 0.00001; TOPMed below 0.00001.
gnomAD v4.1: 1 of 1,550,568 alleles (0.000064%); highest among the groups gnomAD compares: Non-Finnish European, 0.000087%; no homozygotes.

Submission:

CeGaT Center for Human Genetics Tuebingen
Classification: Likely benign. Last evaluated: 2022-04-01. Review status: criteria provided, single submitter. Criteria: CeGaT Center For Human Genetics Tuebingen Variant Classification Criteria Version 2. Collection method: clinical testing. Allele origin: germline. Affected: yes. Observed: 1 variant allele.
Comment: FAM149B1: PM2:Supporting, BP4, BP7

NM_173348.2(FAM149B1):c.300C>T (p.Ala100=)

Gene: FAM149B1 (family with sequence similarity 149 member B1; plus strand). Cytogenetic location: 10q22.2.
Variant type: single nucleotide variant.
Coding change: c.300C>T on transcript NM_173348.2 (MANE Select); coding-DNA position 300, C replaced by T.
Protein change: p.Ala100=; no amino-acid change (alanine 100 retained).
Molecular consequence: synonymous variant.
Genome position (GRCh38, 1-based): chr10:73,192,573, C>T. VCF-style: chr10-73192573-C-T. GRCh37 (hg19) VCF-style: chr10-74952331-C-T.
Identifiers: ClinVar variation 2640583 (VCV002640583.24), dbSNP rs1589150358, ClinGen allele CA470084188.